The following is an entry in ClinVar:

NM_006766.5(KAT6A):c.825+2T>C

Gene: KAT6A (lysine acetyltransferase 6A; minus strand). Cytogenetic location: 8p11.21.
Variant type: single nucleotide variant.
Coding change: c.825+2T>C on transcript NM_006766.5 (MANE Select); the canonical splice donor site of the intron after coding-DNA position 825, T replaced by C.
Molecular consequence: splice donor variant.
Genome position (GRCh38, 1-based): chr8:41,981,837, A>G on the plus strand (T>C on the coding strand, the complement: KAT6A is on the minus strand). VCF-style: chr8-41981837-A-G. GRCh37 (hg19) VCF-style: chr8-41839355-A-G.
Other names: c.825+2T>C (NM_001305878.2).
Identifiers: ClinVar variation 3605924 (VCV003605924.2).

ClinVar aggregate classification (germline): Likely pathogenic (1 of 4 stars; one submission).

Submission:

Labcorp Genetics (formerly Invitae), Labcorp
Classification: Likely pathogenic. Last evaluated: 2024-05-14. Review status: criteria provided, single submitter. Criteria: Invitae Variant Classification Sherloc (09022015). Collection method: clinical testing. Allele origin: germline.
Comment: This sequence change affects a donor splice site in intron 4 of the KAT6A gene. It is expected to disrupt RNA splicing. Variants that disrupt the donor or acceptor splice site typically lead to a loss of protein function (PMID: 16199547), and loss-of-function variants in KAT6A are known to be pathogenic (PMID: 25728775, 25728777, 27133397). This variant is not present in population databases (gnomAD no frequency). This variant has not been reported in the literature in individuals affected with KAT6A-related conditions. Algorithms developed to predict the effect of sequence changes on RNA splicing suggest that this variant may disrupt the consensus splice site. In summary, the currently available evidence indicates that the variant is pathogenic, but additional data are needed to prove that conclusively. Therefore, this variant has been classified as Likely Pathogenic.

Literature cited by the submitters: PubMed 16199547; PubMed 25728775; PubMed 25728777; PubMed 27133397.